The following is an entry in ClinVar:

NM_004431.5(EPHA2):c.1583-15G>C

Gene: EPHA2 (EPH receptor A2; minus strand). Cytogenetic location: 1p36.13.
Variant type: single nucleotide variant.
Coding change: c.1583-15G>C on transcript NM_004431.5 (MANE Select); 15 bases into the intron before coding-DNA position 1583, G replaced by C.
Molecular consequence: intron variant.
Genome position (GRCh38, 1-based): chr1:16,134,582, C>G on the plus strand (G>C on the coding strand, the complement: EPHA2 is on the minus strand). VCF-style: chr1-16134582-C-G. GRCh37 (hg19) VCF-style: chr1-16461077-C-G.
Other names: c.1421-15G>C (NM_001329090.2).
Identifiers: ClinVar variation 293428 (VCV000293428.6), dbSNP rs376854026, ClinGen allele CA625119.

ClinVar aggregate classification (germline): Likely benign. Review status: criteria provided, multiple submitters, no conflicts (2 of 4 stars). 2 submissions from 2 submitters: Likely benign (2). Last evaluated 2024-09-15.

Conditions:
Cataract 6 multiple types. Also called: CATARACT, AGE-RELATED CORTICAL, 2; CATARACT 6, POSTERIOR POLAR; CATARACT 6, CONGENITAL TOTAL. Identifiers: Orphanet 91492, MedGen C1861825, MONDO:0007288, OMIM 116600.

Allele frequency attached by ClinVar (database versions not stated): TOPMed 0.00002; ExAC 0.00003; gnomAD 0.00003 and 0.00004; gnomAD exomes 0.00004; ESP Exome Variant Server 0.00008.

Submissions (2):

Blueprint Genetics
Classification: Likely benign. Last evaluated: 2024-09-15. Review status: criteria provided, single submitter. Criteria: ACMG Guidelines, 2015. Collection method: clinical testing. Allele origin: germline.

Illumina Laboratory Services, Illumina
Classification: Likely benign for Cataract 6 multiple types. Last evaluated: 2018-01-13. Review status: criteria provided, single submitter. Criteria: ICSL Variant Classification Criteria 13 December 2019. Collection method: clinical testing. Allele origin: germline.
Comment: This variant was observed in the ICSL laboratory as part of a predisposition screen in an ostensibly healthy population. It had not been previously curated by ICSL or reported in the Human Gene Mutation Database (HGMD: prior to June 1st, 2018), and was therefore a candidate for classification through an automated scoring system. Utilizing variant allele frequency, disease prevalence and penetrance estimates, and inheritance mode, an automated score was calculated to assess if this variant is too frequent to cause the disease. Based on the score and internal cut-off values, a variant classified as likely benign is not then subjected to further curation. The score for this variant resulted in a classification of likely benign for this disease.